The following is an entry in ClinVar:

ClinVar aggregate classification (germline): Likely pathogenic (1 of 4 stars; one submission).

Conditions:
Cataract 1 multiple types. Also called: CATARACT, DUFFY-LINKED; CATARACT 1, POSTERIOR SUBCAPSULAR, WITH MICROCORNEA; CATARACT 1, STELLATE NUCLEAR, WITH MICROCORNEA; CATARACT 1, MULTIPLE TYPES, WITH OR WITHOUT MICROCORNEA; CATARACT 1, NUCLEAR PROGRESSIVE; CATARACT 1 WITH MICROCORNEA. Identifiers: Orphanet 1377, MedGen C1861828, MONDO:0007285, OMIM 116200.

Submission:

Dept. Genetics and Cancer, Menzies Institute for Medical Research, University of Tasmania
Classification: Likely pathogenic for Cataract 1 multiple types. Last evaluated: 2023-01-21. Review status: criteria provided, single submitter. Criteria: ACMG Guidelines, 2015. Collection method: curation. Allele origin: germline. Affected: yes.
Comment: Variant identified and curated during a GJA8 specific review of the literature in relation to pediatric or congenital cataract. ACMG-AMP criteria applied: PP1(Strong), PS4(Supporting), PM1(Supporting), PM2(Supporting), PP3. Original variant report: PMID:19182255;25549162. The cataract phenotype/s reported for this variant are: Dense and star-shaped in nucleus and at poles, and dense nuclear. Gene review and curation guidelines are outlined in: DOI 10.1080/17469899.2023.2160320

Literature cited by the submitters: PubMed 19182255; PubMed 25549162.

NM_005267.5(GJA8):c.218C>T (p.Ser73Phe)

Gene: GJA8 (gap junction protein alpha 8; plus strand). Cytogenetic location: 1q21.2.
Variant type: single nucleotide variant.
Coding change: c.218C>T on transcript NM_005267.5 (MANE Select); coding-DNA position 218, C replaced by T.
Protein change: p.Ser73Phe; replaces serine 73 with phenylalanine.
Molecular consequence: missense variant.
Genome position (GRCh38, 1-based): chr1:147,908,173, C>T. VCF-style: chr1-147908173-C-T. GRCh37 (hg19) VCF-style: chr1-147380300-C-T.
Other names: short protein forms S73F.
Identifiers: ClinVar variation 3253725 (VCV003253725.1), dbSNP rs2524889513.